The following is an entry in ClinVar:

ClinVar aggregate classification (germline): Uncertain significance. Review status: criteria provided, multiple submitters, no conflicts (2 of 4 stars). 2 submissions from 2 submitters: Uncertain significance (2). Last evaluated 2022-06-13.

Conditions:
Developmental and epileptic encephalopathy, 42 (DEE42A). Also called: DEVELOPMENTAL AND EPILEPTIC ENCEPHALOPATHY 42A; EPILEPTIC ENCEPHALOPATHY, EARLY INFANTILE, 42A; Epileptic encephalopathy, early infantile, 42. Identifiers: MedGen C4310716, MONDO:0014917, OMIM 617106.
Episodic ataxia type 2 (EA2). Also called: ATAXIA, EPISODIC, WITH NYSTAGMUS; ATAXIA, FAMILIAL PAROXYSMAL; CEREBELLAR ATAXIA, PAROXYSMAL, ACETAZOLAMIDE-RESPONSIVE; CEREBELLOPATHY, HEREDITARY PAROXYSMAL; EPISODIC ATAXIA, NYSTAGMUS-ASSOCIATED; ACETAZOLAMIDE-RESPONSIVE HEREDITARY PAROXYSMAL CEREBELLAR ATAXIA. Identifiers: Orphanet 97, MedGen C1720416, MONDO:0007163, OMIM 108500.
Inborn genetic diseases. Identifiers: MedGen C0950123, MeSH D030342.

Submissions (2):

Labcorp Genetics (formerly Invitae), Labcorp
Classification: Uncertain significance for Developmental and epileptic encephalopathy, 42; Episodic ataxia type 2. Last evaluated: 2022-06-13. Review status: criteria provided, single submitter. Criteria: Invitae Variant Classification Sherloc (09022015). Collection method: clinical testing. Allele origin: germline.
Comment: In summary, the available evidence is currently insufficient to determine the role of this variant in disease. Therefore, it has been classified as a Variant of Uncertain Significance. Advanced modeling of protein sequence and biophysical properties (such as structural, functional, and spatial information, amino acid conservation, physicochemical variation, residue mobility, and thermodynamic stability) performed at Invitae indicates that this missense variant is not expected to disrupt CACNA1A protein function. This variant has not been reported in the literature in individuals affected with CACNA1A-related conditions. This variant is not present in population databases (gnomAD no frequency). This sequence change replaces isoleucine, which is neutral and non-polar, with valine, which is neutral and non-polar, at codon 1539 of the CACNA1A protein (p.Ile1539Val).

Ambry Genetics
Classification: Uncertain significance for Inborn genetic diseases. Last evaluated: 2018-09-22. Review status: criteria provided, single submitter. Criteria: Ambry Variant Classification Scheme 2023. Collection method: clinical testing. Allele origin: germline.
Comment: The p.I1539V variant (also known as c.4615A>G), located in coding exon 29 of the CACNA1A gene, results from an A to G substitution at nucleotide position 4615. The isoleucine at codon 1539 is replaced by valine, an amino acid with highly similar properties. This amino acid position is highly conserved in available vertebrate species. In addition, the in silico prediction for this alteration is inconclusive. Since supporting evidence is limited at this time, the clinical significance of this alteration remains unclear.

NM_001127222.2(CACNA1A):c.4612A>G (p.Ile1538Val)

Gene: CACNA1A (calcium voltage-gated channel subunit alpha1 A; minus strand). Cytogenetic location: 19p13.13.
Variant type: single nucleotide variant.
Coding change: c.4612A>G on transcript NM_001127222.2 (MANE Select); coding-DNA position 4612, A replaced by G.
Protein change: p.Ile1538Val; replaces isoleucine 1538 with valine.
Molecular consequence: missense variant.
Genome position (GRCh38, 1-based): chr19:13,255,238, T>C on the plus strand (A>G on the coding strand, the complement: CACNA1A is on the minus strand). VCF-style: chr19-13255238-T-C. GRCh37 (hg19) VCF-style: chr19-13366052-T-C.
Other names: c.4624A>G, p.Ile1542Val (NM_000068.4, NM_023035.3); c.4615A>G, p.Ile1539Val (NM_001127221.2, NM_001174080.2); short protein forms I1538V, I1539V, I1542V.
Identifiers: ClinVar variation 1741919 (VCV001741919.7), dbSNP rs2512728885, ClinGen allele CA404338641.